The following is an entry in ClinVar:

ClinVar aggregate classification (germline): Uncertain significance (1 of 4 stars; one submission).

Allele frequency attached by ClinVar (database versions not stated): TOPMed below 0.00001.
gnomAD v4.1: 5 of 1,613,884 alleles (0.00031%); highest among the groups gnomAD compares: Non-Finnish European, 0.00042%; no homozygotes.

Submission:

Labcorp Genetics (formerly Invitae), Labcorp
Classification: Uncertain significance. Last evaluated: 2023-04-17. Review status: criteria provided, single submitter. Criteria: Invitae Variant Classification Sherloc (09022015). Collection method: clinical testing. Allele origin: germline.
Comment: This variant is not present in population databases (gnomAD no frequency). This variant has not been reported in the literature in individuals affected with OPA1-related conditions. In summary, the available evidence is currently insufficient to determine the role of this variant in disease. Therefore, it has been classified as a Variant of Uncertain Significance. Advanced modeling of protein sequence and biophysical properties (such as structural, functional, and spatial information, amino acid conservation, physicochemical variation, residue mobility, and thermodynamic stability) performed at Invitae indicates that this missense variant is not expected to disrupt OPA1 protein function. ClinVar contains an entry for this variant (Variation ID: 1972887). This sequence change replaces threonine, which is neutral and polar, with alanine, which is neutral and non-polar, at codon 630 of the OPA1 protein (p.Thr630Ala).

NM_130837.3(OPA1):c.2053A>G (p.Thr685Ala)

Gene: OPA1 (OPA1 mitochondrial dynamin like GTPase; plus strand). Cytogenetic location: 3q29.
Variant type: single nucleotide variant.
Coding change: c.2053A>G on transcript NM_130837.3 (MANE Select); coding-DNA position 2053, A replaced by G.
Protein change: p.Thr685Ala; replaces threonine 685 with alanine.
Molecular consequence: missense variant.
Genome position (GRCh38, 1-based): chr3:193,654,902, A>G. VCF-style: chr3-193654902-A-G. GRCh37 (hg19) VCF-style: chr3-193372691-A-G.
Other names: c.1519A>G, p.Thr507Ala (NM_001354663.2); c.1516A>G, p.Thr506Ala (NM_001354664.2); c.1888A>G, p.Thr630Ala (NM_015560.3); c.1780A>G, p.Thr594Ala (NM_130831.3); c.1834A>G, p.Thr612Ala (NM_130832.3); c.1891A>G, p.Thr631Ala (NM_130833.3); c.1942A>G, p.Thr648Ala (NM_130834.3); c.1945A>G, p.Thr649Ala (NM_130835.3); and 1 more; short protein forms T506A, T594A, T630A, T649A, T685A, T507A, T612A, T648A.
Identifiers: ClinVar variation 1972887 (VCV001972887.5), dbSNP rs1713425937, ClinGen allele CA355791054.